The following is an entry in ClinVar:

NM_001130438.3(SPTAN1):c.7012_7013+2dup

Gene: SPTAN1 (spectrin alpha, non-erythrocytic 1; plus strand). Cytogenetic location: 9q34.11.
Variant type: Duplication.
Coding change: c.7012_7013+2dup on transcript NM_001130438.3 (MANE Select); coding-DNA position 7012 through the canonical splice donor site of the intron after coding-DNA position 7013, 4 bases duplicated (AAGT; older notation c.7012_7013+2dupAAGT).
Molecular consequence: splice donor variant.
Genome position (GRCh38, 1-based): chr9:128,632,483-128,632,486, AAGT duplicated; duplicating any 4 consecutive bases within chr9:128,632,482-128,632,486 gives the same sequence; the c. name uses the placement nearest the transcript's 3' end. VCF-style (leftmost placement, unchanged base first): chr9-128632481-T-TTAAG. GRCh37 (hg19) VCF-style: chr9-131394760-T-TTAAG.
Other names: c.7111_7112+2dup (NM_001375318.1); c.7048_7049+2dup (NM_001375312.2, NM_001438440.1); c.7012_7013+2dup (NM_001375311.2); c.6952_6953+2dup (NM_001375314.2, NM_001363765.2); c.7099_7100+2dup (NM_001375310.1); c.7075_7076+2dup (NM_001363759.2); c.6994_6995+2dup (NM_001375313.1); c.7060_7061+2dup (NM_001438445.1); and 6 more.
Identifiers: ClinVar variation 4754689 (VCV004754689.1).

ClinVar aggregate classification (germline): Uncertain significance (1 of 4 stars; one submission).

Conditions:
Early-infantile DEE. Also called: Early infantile epileptic encephalopathy; Early infantile epileptic encephalopathy with suppression bursts; Ohtahara syndrome. Identifiers: Orphanet 1934, MedGen C0393706, MONDO:0800491.

Submission:

Labcorp Genetics (formerly Invitae), Labcorp
Classification: Uncertain significance for Early-infantile DEE. Last evaluated: 2025-08-20. Review status: criteria provided, single submitter. Criteria: Invitae Variant Classification Sherloc (09022015). Collection method: clinical testing. Allele origin: germline.
Comment: This sequence change falls in intron 54 of the SPTAN1 gene. It does not directly change the encoded amino acid sequence of the SPTAN1 protein. It affects a nucleotide within the consensus splice site. This variant is present in population databases (rs753053330, gnomAD 0.03%). This variant has not been reported in the literature in individuals affected with SPTAN1-related conditions. Variants that disrupt the consensus splice site are a relatively common cause of aberrant splicing (PMID: 17576681, 9536098). In summary, the available evidence is currently insufficient to determine the role of this variant in disease. Therefore, it has been classified as a Variant of Uncertain Significance.

Literature cited by the submitters: PubMed 17576681; PubMed 9536098.